The following is an entry in ClinVar:

ClinVar aggregate classification (germline): Pathogenic (1 of 4 stars; one submission).

Conditions:
Neurofibromatosis, type 1 (NF1). Also called: NEUROFIBROMATOSIS, TYPE I, SOMATIC; Peripheral type neurofibromatosis; VON RECKLINGHAUSEN DISEASE; Neurofibromatosis, type I. Identifiers: Orphanet 636, MedGen C0027831, MONDO:0018975, OMIM 162200. Disease mechanism: loss of function.

Submission:

Labcorp Genetics (formerly Invitae), Labcorp
Classification: Pathogenic for Neurofibromatosis, type 1. Last evaluated: 2022-10-23. Review status: criteria provided, single submitter. Criteria: Invitae Variant Classification Sherloc (09022015). Collection method: clinical testing. Allele origin: germline.
Comment: This sequence change creates a premature translational stop signal (p.Asp1313Ilefs*14) in the NF1 gene. It is expected to result in an absent or disrupted protein product. Loss-of-function variants in NF1 are known to be pathogenic (PMID: 10712197, 23913538). This variant is not present in population databases (gnomAD no frequency). This variant has not been reported in the literature in individuals affected with NF1-related conditions. For these reasons, this variant has been classified as Pathogenic.

Literature cited by the submitters: PubMed 10712197; PubMed 23913538.

NM_001042492.3(NF1):c.3936del (p.Asp1313fs)

Gene: NF1 (neurofibromin 1; plus strand). Cytogenetic location: 17q11.2.
Variant type: Deletion.
Coding change: c.3936del on transcript NM_001042492.3 (MANE Select); coding-DNA position 3936, one base deleted (T; older notation c.3936delT).
Protein change: p.Asp1313fs; shifts the reading frame from aspartic acid 1313.
Molecular consequence: frameshift variant.
Genome position (GRCh38, 1-based): chr17:31,235,983, T deleted. VCF-style (leftmost placement, unchanged base first): chr17-31235982-CT-C. GRCh37 (hg19) VCF-style: chr17-29563000-CT-C.
Other names: c.3936delT, p.Asp1313Ilefs (NM_000267.4); short protein forms D1313fs.
Identifiers: ClinVar variation 2809389 (VCV002809389.3), dbSNP rs2508264759, ClinGen allele CA2739267384.